The following is an entry in ClinVar:

NM_001042492.3(NF1):c.7420dup (p.Asp2474fs)

Gene: NF1 (neurofibromin 1; plus strand). Cytogenetic location: 17q11.2.
Variant type: Duplication.
Coding change: c.7420dup on transcript NM_001042492.3 (MANE Select); coding-DNA position 7420, one base duplicated (G; older notation c.7420dupG).
Protein change: p.Asp2474fs; shifts the reading frame from aspartic acid 2474.
Molecular consequence: frameshift variant.
Genome position (GRCh38, 1-based): chr17:31,350,281, G duplicated; the last of 2 consecutive G bases (chr17:31,350,280-31,350,281); duplicating either gives the same sequence. VCF-style (leftmost placement, unchanged base first): chr17-31350279-T-TG. GRCh37 (hg19) VCF-style: chr17-29677297-T-TG.
Other names: c.7357dup, p.Asp2453Glyfs (NM_000267.4); short protein forms D2453fs, D2474fs.
Identifiers: ClinVar variation 1071333 (VCV001071333.5), dbSNP rs2151574538, ClinGen allele CA2499224223.

ClinVar aggregate classification (germline): Pathogenic (1 of 4 stars; one submission).

Conditions:
Neurofibromatosis, type 1 (NF1). Also called: VON RECKLINGHAUSEN DISEASE; Peripheral type neurofibromatosis; NEUROFIBROMATOSIS, TYPE I, SOMATIC; Neurofibromatosis, type I. Identifiers: Orphanet 636, MedGen C0027831, MONDO:0018975, OMIM 162200. Disease mechanism: loss of function.

Submission:

Labcorp Genetics (formerly Invitae), Labcorp
Classification: Pathogenic for Neurofibromatosis, type 1. Last evaluated: 2020-12-17. Review status: criteria provided, single submitter. Criteria: Invitae Variant Classification Sherloc (09022015). Collection method: clinical testing. Allele origin: germline.
Comment: This sequence change creates a premature translational stop signal (p.Asp2453Glyfs*9) in the NF1 gene. It is expected to result in an absent or disrupted protein product. Loss-of-function variants in NF1 are known to be pathogenic (PMID: 10712197, 23913538). This variant is not present in population databases (ExAC no frequency). This variant has not been reported in the literature in individuals with NF1-related conditions. For these reasons, this variant has been classified as Pathogenic.

Literature cited by the submitters: PubMed 10712197; PubMed 23913538.